The following is an entry in ClinVar:

ClinVar aggregate classification (germline): Pathogenic/Likely pathogenic. Review status: criteria provided, multiple submitters, no conflicts (2 of 4 stars). 9 submissions from 9 submitters: Pathogenic (6); Likely pathogenic (3). Last evaluated 2026-07-17.

Conditions:
Usher syndrome type 2A. Also called: RETINAL DISEASE IN USHER SYNDROME TYPE IIA, MODIFIER OF; USHER SYNDROME, TYPE IIA. Identifiers: Orphanet 231178, Orphanet 886, MedGen C1848634, MONDO:0010169, OMIM 276901.
Retinitis pigmentosa 39 (RP39). Identifiers: Orphanet 791, MedGen C3151138, MONDO:0013436, OMIM 613809.
Usher syndrome. Also called: Usher Syndromes; Usher's syndrome. Identifiers: Orphanet 886, MedGen CN469326, MeSH D052245, MONDO:0019501. Disease mechanism: loss of function.
USH2A-related disorder. Also called: USH2A-related disorders; USH2A-related condition. Identifiers: MedGen CN239332.
Inborn genetic diseases. Identifiers: MedGen C0950123, MeSH D030342.

Allele frequency attached by ClinVar (database versions not stated): gnomAD 0.00001 and below 0.00001; gnomAD exomes below 0.00001.
gnomAD v4.1: 5 of 1,613,146 alleles (0.00031%); highest among the groups gnomAD compares: South Asian, 0.0055%; no homozygotes.

Submissions (9):

Ambry Genetics
Classification: Pathogenic for Inborn genetic diseases. Last evaluated: 2026-07-17. Review status: criteria provided, single submitter. Criteria: Ambry Variant Classification Scheme 2023. Collection method: clinical testing. Allele origin: germline.
Comment: The c.1226G>A (p.W409*) alteration, located in exon 7 (coding exon 6) of the USH2A gene, consists of a G to A substitution at nucleotide position 1226. This changes the amino acid from a tryptophan (W) to a stop codon at amino acid position 409. This variant is expected to result in loss of function by premature protein truncation or nonsense-mediated mRNA decay. This variant was not reported in population-based cohorts in the Genome Aggregation Database (gnomAD). This variant has been identified in the homozygous state and/or in conjunction with other USH2A variant(s) in individual(s) with features consistent with USH2A-related Usher syndrome (Pierrache, 2016; Sen, 2023; Lin, 2024). Based on the available evidence, this alteration is classified as pathogenic.

Natera, Inc.
Classification: Likely pathogenic for Usher syndrome type 2A. Last evaluated: 2025-02-22. Review status: criteria provided, single submitter. Criteria: Natera Variant Classification Schema (03/2026). Collection method: clinical testing. Allele origin: germline.
Comment: The c.1226G>A variant in USH2A is a nonsense variant predicted to introduce a stop codon at amino acid 409. This variant is expected to result in nonsense mediated decay, truncation, or a dysfunctional protein product. This variant is rare in the general population with a frequency below the threshold expected for the associated phenotype(s). Given the available evidence, this variant is classified as Likely Pathogenic.

Labcorp Genetics (formerly Invitae), Labcorp
Classification: Pathogenic. Last evaluated: 2024-05-16. Review status: criteria provided, single submitter. Criteria: Invitae Variant Classification Sherloc (09022015). Collection method: clinical testing. Allele origin: germline.
Comment: This sequence change creates a premature translational stop signal (p.Trp409*) in the USH2A gene. It is expected to result in an absent or disrupted protein product. Loss-of-function variants in USH2A are known to be pathogenic (PMID: 10729113, 10909849, 20507924, 25649381). This variant is not present in population databases (gnomAD no frequency). This premature translational stop signal has been observed in individual(s) with Usher syndrome type 2 and autosomal recessive retinitis pigmentosa (PMID: 26927203, 27318125). ClinVar contains an entry for this variant (Variation ID: 963094). For these reasons, this variant has been classified as Pathogenic.

Baylor Genetics
Classification: Likely pathogenic for Retinitis pigmentosa 39. Last evaluated: 2023-12-10. Review status: criteria provided, single submitter. Criteria: ACMG Guidelines, 2015. Collection method: clinical testing. Allele origin: unknown.

Genome-Nilou Lab
Classification: Pathogenic for Usher syndrome type 2A. Last evaluated: 2023-11-04. Review status: criteria provided, single submitter. Criteria: ACMG Guidelines, 2015. Collection method: clinical testing. Allele origin: germline. Affected: no.

SN ONGC Dept of Genetics and Molecular biology Vision Research Foundation
Classification: Pathogenic for Usher syndrome. Last evaluated: 2022-12-31. Review status: criteria provided, single submitter. Criteria: ACMG Guidelines, 2015. Collection method: research. Allele origin: unknown. Affected: yes. Observed: 1 variant allele, 1 homozygote.

Blueprint Genetics
Classification: Pathogenic for USH2A-related disorders. Last evaluated: 2022-07-06. Review status: criteria provided, single submitter. Criteria: ACMG Guidelines, 2015. Collection method: clinical testing. Allele origin: germline. Affected: yes. Observed: 2 variant alleles.

Genetics and Genomic Medicine Centre, NeuroGen Healthcare, NeuroGen Healthcare
Classification: Likely pathogenic for Usher syndrome type 2A. Last evaluated: 2021-03-10. Review status: criteria provided, single submitter. Criteria: Submitter's publication. Collection method: clinical testing. Allele origin: unknown. Affected: no.

Neuberg Centre For Genomic Medicine, NCGM
Classification: Pathogenic for Usher syndrome type 2A. Review status: criteria provided, single submitter. Criteria: ACMG Guidelines, 2015. Collection method: clinical testing. Allele origin: germline. Inheritance: Autosomal recessive inheritance. Affected: yes.
Comment: The stop gained p.W409* in USH2A (NM_206933.4) variant has been observed in individuals affected with Usher syndrome type 2 and autosomal recessive retinitis pigmentosa ( Bas P Hartel et al 2016; Laurence H M Pierrache et al 2016 ). The variant has been submitted to ClinVar as Pathogenic. Loss-of-function variants in USH2A are known to be pathogenic. The p.W409* variant is novel (not in any individuals) in gnomAD Exomes and is novel (not in any individuals) in 1000 Genomes. This variant is predicted to cause loss of normal protein function through protein truncation. For these reasons, this variant has been classified as Pathogenic.

Literature cited by the submitters: PubMed 26927203 (cited by Ambry Genetics and Labcorp Genetics (formerly Invitae), Labcorp); PubMed 37322672 (cited by Ambry Genetics); PubMed 38219857 (cited by Ambry Genetics); PubMed 10729113 (cited by Labcorp Genetics (formerly Invitae), Labcorp); PubMed 10909849 (cited by Labcorp Genetics (formerly Invitae), Labcorp); PubMed 20507924 (cited by Labcorp Genetics (formerly Invitae), Labcorp); PubMed 25649381 (cited by Labcorp Genetics (formerly Invitae), Labcorp); PubMed 27318125 (cited by Labcorp Genetics (formerly Invitae), Labcorp).

NM_206933.4(USH2A):c.1226G>A (p.Trp409Ter)

Gene: USH2A (usherin; minus strand). Cytogenetic location: 1q41.
Variant type: single nucleotide variant.
Coding change: c.1226G>A on transcript NM_206933.4 (MANE Select); coding-DNA position 1226, G replaced by A.
Protein change: p.Trp409Ter; replaces tryptophan 409 with a stop codon.
Molecular consequence: nonsense.
Genome position (GRCh38, 1-based): chr1:216,324,270, C>T on the plus strand (G>A on the coding strand, the complement: USH2A is on the minus strand). VCF-style: chr1-216324270-C-T. GRCh37 (hg19) VCF-style: chr1-216497612-C-T.
Other names: c.1226G>A, p.Trp409Ter (NM_007123.6); short protein forms W409*.
Identifiers: ClinVar variation 963094 (VCV000963094.39), dbSNP rs2037682180, ClinGen allele CA344911767.